The following is an entry in ClinVar:

NM_001391958.1(NLRP10):c.1410G>A (p.Gln470=)

Gene: NLRP10 (NLR family pyrin domain containing 10; minus strand). Cytogenetic location: 11p15.4.
Variant type: single nucleotide variant.
Coding change: c.1410G>A on transcript NM_001391958.1 (MANE Select); coding-DNA position 1410, G replaced by A.
Protein change: p.Gln470=; no amino-acid change (glutamine 470 retained).
Molecular consequence: synonymous variant.
Genome position (GRCh38, 1-based): chr11:7,960,202, C>T on the plus strand (G>A on the coding strand, the complement: NLRP10 is on the minus strand). VCF-style: chr11-7960202-C-T. GRCh37 (hg19) VCF-style: chr11-7981749-C-T.
Other names: c.1410G>A, p.Gln470= (NM_176821.4).
Identifiers: ClinVar variation 103334 (VCV000103334.2), dbSNP rs199475855, ClinGen allele CA230431.
Genomic context (GRCh38, chr11:7,960,202, plus strand): 5'-CTCCTTCCCCAGCCGGCTTTGGTCCTCTTTCACCAGGTAAGACATGGCATGAAAAAAGTC[C>T]TGGAAGCTGATGTGGCGGAAGCTGTAGAACTTCTTGATGGCAAGTCCCAATTGGTAGTCG-3'
Protein context (NP_001378887.1, residues 460-480): KFYSFRHISF[Gln470=]DFFHAMSYLV

ClinVar aggregate classification (germline): not provided (0 of 4 stars; one submission).

Allele frequency attached by ClinVar (database versions not stated): gnomAD exomes 0.00005 and 0.00012; ExAC 0.00012; ESP Exome Variant Server 0.00015; 1000 Genomes Project 0.00020; 1000 Genomes Project 30x 0.00031; gnomAD 0.00044 and 0.00046; TOPMed 0.00051.

Submission:

Human Evolutionary Genetics, Institut Pasteur
No classification provided. Review status: no classification provided. Collection method: not provided. Allele origin: germline.
ClinVar note: Converted during submission from untested to not provided.